The following is an entry in ClinVar:

NM_000126.4(ETFA):c.999dup (p.Ter334MetextTer?)

Gene: ETFA (electron transfer flavoprotein subunit alpha; minus strand). Cytogenetic location: 15q24.2.
Variant type: Duplication.
Coding change: c.999dup on transcript NM_000126.4 (MANE Select); coding-DNA position 999, one base duplicated (A; older notation c.999dupA).
Protein change: p.Ter334MetextTer?.
Molecular consequence: frameshift variant, stop lost.
Genome position (GRCh38, 1-based): chr15:76,216,562, T duplicated on the plus strand (A on the coding strand, the reverse complement: ETFA is on the minus strand); the first of 6 consecutive T bases (chr15:76,216,562-76,216,567); duplicating any one gives the same sequence. VCF-style (leftmost placement, unchanged base first): chr15-76216561-A-AT. GRCh37 (hg19) VCF-style: chr15-76508902-A-AT.
Other names: c.852dup, p.Ter285MetextTer? (NM_001127716.2).
Identifiers: ClinVar variation 4855833 (VCV004855833.1).

ClinVar aggregate classification (germline): Uncertain significance (1 of 4 stars; one submission).

Conditions:
Multiple acyl-CoA dehydrogenase deficiency (MADD). Also called: Glutaric aciduria, type 2; ETHYLMALONIC-ADIPICACIDURIA; GA II; Glutaric acidemia type II; GA 2; Glutaric Acidemia type 2. Identifiers: Orphanet 26791, MedGen C0268596, MONDO:0009282, OMIM 231680.

Submission:

3billion
Classification: Uncertain significance for Multiple acyl-CoA dehydrogenase deficiency. Last evaluated: 2025-06-23. Review status: criteria provided, single submitter. Criteria: ACMG Guidelines, 2015. Collection method: clinical testing. Allele origin: germline. Affected: yes.
Comment: The variant is observed at an extremely low frequency in the gnomAD v4.1.0 dataset (total allele frequency: <0.001%). Predicted Consequence/Location: Frameshift: predicted to result in a loss or disruption of normal protein function through protein truncation. The predicted truncated protein may be shortened by less than 10%. Therefore, this variant is classified as VUS according to the recommendation of ACMG/AMP guideline.